The following is an entry in ClinVar:

NM_022893.4(BCL11A):c.2147C>G (p.Thr716Arg)

Gene: BCL11A (BCL11 transcription factor A; minus strand). Cytogenetic location: 2p16.1.
Variant type: single nucleotide variant.
Coding change: c.2147C>G on transcript NM_022893.4 (MANE Select); coding-DNA position 2147, C replaced by G.
Protein change: p.Thr716Arg; replaces threonine 716 with arginine.
Molecular consequence: missense variant. On other transcripts: intron variant (6).
Genome position (GRCh38, 1-based): chr2:60,460,765, G>C on the plus strand (C>G on the coding strand, the complement: BCL11A is on the minus strand). VCF-style: chr2-60460765-G-C. GRCh37 (hg19) VCF-style: chr2-60687900-G-C.
Other names: c.2045C>G, p.Thr682Arg (NM_001363864.1, NM_001365609.1, NM_001405711.1 and 2 more transcripts); c.2147C>G, p.Thr716Arg (NM_001405708.1, NM_001405709.1, NM_001405710.1 and 1 more transcripts); c.1991C>G, p.Thr664Arg (NM_001405713.1, NM_001405714.1, NM_001405715.1 and 3 more transcripts); c.1889C>G, p.Thr630Arg (NM_001405717.1, NM_001405718.1, NM_001405724.1); c.1814C>G, p.Thr605Arg (NM_001405720.1, NM_001405721.1); c.1691C>G, p.Thr564Arg (NM_001405725.1, NM_001405726.1, NM_001405727.1 and 1 more transcripts); c.1454C>G, p.Thr485Arg (NM_001405729.1); c.1610C>G, p.Thr537Arg (NM_001405730.1); and 5 more; short protein forms T385R, T485R, T537R, T564R, T605R, T630R, T664R, T682R.
Identifiers: ClinVar variation 2650961 (VCV002650961.24), dbSNP rs765066558, ClinGen allele CA347036466.

ClinVar aggregate classification (germline): Uncertain significance (1 of 4 stars; one submission).

Submission:

CeGaT Center for Human Genetics Tuebingen
Classification: Uncertain significance. Last evaluated: 2022-09-01. Review status: criteria provided, single submitter. Criteria: CeGaT Center For Human Genetics Tuebingen Variant Classification Criteria Version 2. Collection method: clinical testing. Allele origin: germline. Affected: yes. Observed: 1 variant allele.
Comment: BCL11A: PM2, PP2